The following is an entry in ClinVar:

ClinVar aggregate classification (germline): Uncertain significance. Review status: criteria provided, multiple submitters, no conflicts (2 of 4 stars). 2 submissions from 2 submitters: Uncertain significance (2). Last evaluated 2025-02-06.

Conditions:
Spermatogenic failure 18. Identifiers: MedGen C4539783, MONDO:0054615, OMIM 617576.
Ciliary dyskinesia, primary, 37 (CILD37). Also called: CILIARY DYSKINESIA, PRIMARY, 37, WITH OR WITHOUT SITUS INVERSUS. Identifiers: MedGen C4539798, MONDO:0033204, OMIM 617577.
DNAH1-related disorder. Also called: DNAH1-related condition.

Allele frequency attached by ClinVar (database versions not stated): ESP Exome Variant Server 0.00008; TOPMed 0.00002; ExAC 0.00003; gnomAD exomes 0.00004; 1000 Genomes Project 0.00020; 1000 Genomes Project 30x 0.00031.
gnomAD v4.1: 63 of 1,612,678 alleles (0.0039%); highest among the groups gnomAD compares: Middle Eastern, 0.017%; no homozygotes.

Submissions (2):

Labcorp Genetics (formerly Invitae), Labcorp
Classification: Uncertain significance for Ciliary dyskinesia, primary, 37; Spermatogenic failure 18. Last evaluated: 2025-02-06. Review status: criteria provided, single submitter. Criteria: Invitae Variant Classification Sherloc (09022015). Collection method: clinical testing. Allele origin: germline.
Comment: This sequence change replaces arginine, which is basic and polar, with glutamine, which is neutral and polar, at codon 1085 of the DNAH1 protein (p.Arg1085Gln). The frequency data for this variant in the population databases is considered unreliable, as metrics indicate poor data quality at this position in the gnomAD database. This variant has not been reported in the literature in individuals affected with DNAH1-related conditions. ClinVar contains an entry for this variant (Variation ID: 2634114). Invitae Evidence Modeling of protein sequence and biophysical properties (such as structural, functional, and spatial information, amino acid conservation, physicochemical variation, residue mobility, and thermodynamic stability) indicates that this missense variant is not expected to disrupt DNAH1 protein function with a negative predictive value of 80%. In summary, the available evidence is currently insufficient to determine the role of this variant in disease. Therefore, it has been classified as a Variant of Uncertain Significance.

PreventionGenetics, part of Exact Sciences
Classification: Uncertain significance for DNAH1-related condition. Last evaluated: 2023-02-06. Review status: criteria provided, single submitter. Criteria: ACMG Guidelines, 2015. Collection method: clinical testing. Allele origin: germline.
Comment: The DNAH1 c.3254G>A variant is predicted to result in the amino acid substitution p.Arg1085Gln. To our knowledge, this variant has not been reported in the literature. This variant is reported in 0.013% of alleles in individuals of South Asian descent in gnomAD. At this time, the clinical significance of this variant is uncertain due to the absence of conclusive functional and genetic evidence.

NM_015512.5(DNAH1):c.3254G>A (p.Arg1085Gln)

Gene: DNAH1 (dynein axonemal heavy chain 1; plus strand). Cytogenetic location: 3p21.1.
Variant type: single nucleotide variant.
Coding change: c.3254G>A on transcript NM_015512.5 (MANE Select); coding-DNA position 3254, G replaced by A.
Protein change: p.Arg1085Gln; replaces arginine 1085 with glutamine.
Molecular consequence: missense variant.
Genome position (GRCh38, 1-based): chr3:52,353,407, G>A. VCF-style: chr3-52353407-G-A. GRCh37 (hg19) VCF-style: chr3-52387423-G-A.
Other names: short protein forms R1085Q.
Identifiers: ClinVar variation 2634114 (VCV002634114.3), dbSNP rs373525441, ClinGen allele CA2433534.
Genomic context (GRCh38, chr3:52,353,407, plus strand): 5'-CTGCCTCTCATGCGTTTCTGTCTTACCCGGCAGCCTGCCAGGAAGTGGCCTTGGACATCC[G>A]GGCCCGCATCGAGGAGTTCAAACCATACATCCCACTGATCCAGGGGCTGCGCAACCCTGG-3'
Protein context (NP_056327.4, residues 1075-1095): PACQEVALDI[Arg1085Gln]ARIEEFKPYI